The following is an entry in ClinVar:

ClinVar aggregate classification (germline): Conflicting classifications of pathogenicity. Review status: criteria provided, conflicting classifications (1 of 4 stars). 7 submissions from 7 submitters: Uncertain significance (1); Benign (1); Likely benign (4). 1 of the submissions does not count toward it. Last evaluated 2026-04-14.

Conditions:
PCDH15-related disorder. Also called: PCDH15-related condition; PCDH15-related disorders.
Usher syndrome type 1 (USH1). Also called: RETINITIS PIGMENTOSA AND CONGENITAL DEAFNESS. Identifiers: Orphanet 231169, Orphanet 886, MedGen C1568247, MONDO:0010168, OMIM 276900.
Usher syndrome type 1F (USH1F). Also called: USHER SYNDROME, TYPE IF. Identifiers: Orphanet 231169, Orphanet 886, MedGen C1865885, MONDO:0011186, OMIM 602083.

Allele frequency attached by ClinVar (database versions not stated): gnomAD 0.00016; ESP Exome Variant Server 0.00038; TOPMed 0.00045; 1000 Genomes Project 0.00080; 1000 Genomes Project 30x 0.00094.
gnomAD v4.1: 705 of 1,612,960 alleles (0.044%); highest among the groups gnomAD compares: Non-Finnish European, 0.047%; 2 homozygotes.

Submissions (7):

PreventionGenetics, part of Exact Sciences
Classification: Likely benign for PCDH15-related condition. Last evaluated: 2026-04-14. Review status: criteria provided, single submitter. Criteria: ACMG Guidelines, 2015. Collection method: clinical testing. Allele origin: germline.
Comment: This variant is classified as likely benign based on ACMG/AMP sequence variant interpretation guidelines (Richards et al. 2015 PMID: 25741868, with internal and published modifications).

Labcorp Genetics (formerly Invitae), Labcorp
Classification: Benign. Last evaluated: 2026-01-24. Review status: criteria provided, single submitter. Criteria: Invitae Variant Classification Sherloc (09022015). Collection method: clinical testing. Allele origin: germline.

CeGaT Center for Human Genetics Tuebingen
Classification: Likely benign. Last evaluated: 2025-11-01. Review status: criteria provided, single submitter. Criteria: CeGaT Center For Human Genetics Tuebingen Variant Classification Criteria Version 2. Collection method: clinical testing. Allele origin: germline. Affected: yes. Observed: 3 variant alleles.
Comment: PCDH15: BP4, BP7

Blueprint Genetics
Classification: Likely benign. Last evaluated: 2024-10-17. Review status: criteria provided, single submitter. Criteria: ACMG Guidelines, 2015. Collection method: clinical testing. Allele origin: germline.

GeneDx
Classification: Likely benign. Last evaluated: 2021-08-19. Review status: criteria provided, single submitter. Criteria: GeneDx Variant Classification Process June 2021. Collection method: clinical testing. Allele origin: germline. Affected: yes.

Illumina Laboratory Services, Illumina
Classification: Uncertain significance for Usher syndrome type 1. Last evaluated: 2018-01-12. Review status: criteria provided, single submitter. Criteria: ICSL Variant Classification Criteria 13 December 2019. Collection method: clinical testing. Allele origin: germline.

Natera, Inc.
Classification: Likely benign for Usher syndrome type 1F. Last evaluated: 2020-01-06. Review status: no assertion criteria provided. Collection method: clinical testing. Allele origin: germline. Not counted in ClinVar's aggregate classification.

NM_001384140.1(PCDH15):c.3450C>A (p.Ile1150=)

Gene: PCDH15 (protocadherin related 15; minus strand). Cytogenetic location: 10q21.1.
Variant type: single nucleotide variant.
Coding change: c.3450C>A on transcript NM_001384140.1 (MANE Select); coding-DNA position 3450, C replaced by A.
Protein change: p.Ile1150=; no amino-acid change (isoleucine 1150 retained).
Molecular consequence: synonymous variant.
Genome position (GRCh38, 1-based): chr10:53,903,294, G>T on the plus strand (C>A on the coding strand, the complement: PCDH15 is on the minus strand). VCF-style: chr10-53903294-G-T. GRCh37 (hg19) VCF-style: chr10-55663054-G-T.
Other names: c.3465C>A, p.Ile1155= (NM_001142763.2, NM_001142771.2); c.3450C>A, p.Ile1150= (NM_001142764.2, NM_001142766.2, NM_001142770.3 and 4 more transcripts); c.3237C>A, p.Ile1079= (NM_001142765.2); c.3339C>A, p.Ile1113= (NM_001142767.2); c.3384C>A, p.Ile1128= (NM_001142768.2, NM_001142773.2, NM_001354404.2); c.3486C>A, p.Ile1162= (NM_001142769.4); c.3471C>A, p.Ile1157= (NM_001354411.2).
Identifiers: ClinVar variation 300182 (VCV000300182.48), dbSNP rs146374856, ClinGen allele CA5505665.